The following is an entry in ClinVar:

NM_206926.2(SELENON):c.1399-31C>T

Gene: SELENON (selenoprotein N; plus strand). Cytogenetic location: 1p36.11.
Variant type: single nucleotide variant.
Coding change: c.1399-31C>T on transcript NM_206926.2 (MANE Select); 31 bases into the intron before coding-DNA position 1399, C replaced by T.
Molecular consequence: intron variant.
Genome position (GRCh38, 1-based): chr1:25,814,046, C>T. VCF-style: chr1-25814046-C-T. GRCh37 (hg19) VCF-style: chr1-26140537-C-T.
Other names: c.1501-31C>T (NM_020451.3).
Identifiers: ClinVar variation 261276 (VCV000261276.3), dbSNP rs72877469, ClinGen allele CA696901.

ClinVar aggregate classification (germline): Benign/Likely benign. Review status: criteria provided, multiple submitters, no conflicts (2 of 4 stars). 3 submissions from 3 submitters: Benign (1); Likely benign (2). Last evaluated 2018-06-16.

Allele frequency attached by ClinVar (database versions not stated): gnomAD 0.03988 and 0.03758; gnomAD exomes 0.00452 and 0.01175; ExAC 0.01398; 1000 Genomes Project 0.04653; ESP Exome Variant Server 0.04129; TOPMed 0.04244; 1000 Genomes Project 30x 0.04950.
gnomAD v4.1: 12,560 of 1,609,110 alleles (0.78%); highest among the groups gnomAD compares: African/African-American, 13%; 643 homozygotes.

Submissions (3):

GeneDx
Classification: Benign. Last evaluated: 2018-06-16. Review status: criteria provided, single submitter. Criteria: GeneDx Variant Classification (06012015). Collection method: clinical testing. Allele origin: germline. Affected: yes.
Comment: This variant is considered likely benign or benign based on one or more of the following criteria: it is a conservative change, it occurs at a poorly conserved position in the protein, it is predicted to be benign by multiple in silico algorithms, and/or has population frequency not consistent with disease.

Breakthrough Genomics
Classification: Likely benign. Review status: criteria provided, single submitter. Criteria: ACMG Guidelines, 2015. Collection method: not provided. Allele origin: germline. Inheritance: Autosomal recessive inheritance. Affected: yes.

PreventionGenetics, part of Exact Sciences
Classification: Likely benign. Review status: criteria provided, single submitter. Criteria: ACMG Guidelines, 2015. Collection method: clinical testing. Allele origin: germline.